The following is an entry in ClinVar:

ClinVar aggregate classification (germline): Likely benign. Review status: criteria provided, multiple submitters, no conflicts (2 of 4 stars). 3 submissions from 3 submitters: Likely benign (3). Last evaluated 2025-07-29.

Conditions:
Hereditary cancer-predisposing syndrome. Also called: Neoplastic Syndromes, Hereditary; Hereditary neoplastic syndrome; Tumor predisposition; Hereditary Cancer Syndrome. Identifiers: Orphanet 140162, MedGen C0027672, MeSH D009386, MONDO:0015356.
Pheochromocytoma/paraganglioma syndrome 3. Also called: GLOMUS TUMORS, FAMILIAL, 3; Paragangliomas 3; SDHC-Related Hereditary Paraganglioma-Pheochromocytoma Syndrome (Paragangliomas 3); SDHC-Related Hereditary Paraganglioma-Pheochromocytoma Syndrome. Identifiers: Orphanet 29072, MedGen C1854336, MONDO:0011544, OMIM 605373.
Gastrointestinal stromal tumor. Also called: Gastrointestinal stromal tumor, somatic; Gastrointestinal stroma tumor. Identifiers: Orphanet 44890, MedGen C0238198, MeSH D046152, MONDO:0011719, OMIM 606764, HP:0100723.

Allele frequency attached by ClinVar (database versions not stated): gnomAD exomes below 0.00001; ExAC 0.00001; gnomAD 0.00001.
gnomAD v4.1: 5 of 1,604,416 alleles (0.00031%); highest among the groups gnomAD compares: Non-Finnish European, 0.00034%; no homozygotes.

Submissions (3):

Labcorp Genetics (formerly Invitae), Labcorp
Classification: Likely benign for Pheochromocytoma/paraganglioma syndrome 3; Gastrointestinal stromal tumor. Last evaluated: 2025-07-29. Review status: criteria provided, single submitter. Criteria: Invitae Variant Classification Sherloc (09022015). Collection method: clinical testing. Allele origin: germline.

Myriad Genetics, Inc.
Classification: Likely benign for Pheochromocytoma/paraganglioma syndrome 3. Last evaluated: 2025-03-17. Review status: criteria provided, single submitter. Criteria: Myriad Autosomal Dominant, Autosomal Recessive and X-Linked Classification Criteria (2023). Collection method: clinical testing. Allele origin: unknown.
Comment: This variant is considered likely benign. This variant is intronic and is not expected to impact mRNA splicing.

Ambry Genetics
Classification: Likely benign for Hereditary cancer-predisposing syndrome. Last evaluated: 2024-07-16. Review status: criteria provided, single submitter. Criteria: Ambry Variant Classification Scheme 2023. Collection method: clinical testing. Allele origin: germline.

NM_003001.5(SDHC):c.406-4A>G

Gene: SDHC (succinate dehydrogenase complex subunit C; plus strand). Cytogenetic location: 1q23.3.
Variant type: single nucleotide variant.
Coding change: c.406-4A>G on transcript NM_003001.5 (MANE Select); 4 bases into the intron before coding-DNA position 406, A replaced by G.
Molecular consequence: intron variant.
Genome position (GRCh38, 1-based): chr1:161,362,325, A>G. VCF-style: chr1-161362325-A-G. GRCh37 (hg19) VCF-style: chr1-161332115-A-G.
Other names: c.406-4A>G (NM_003001.3); c.295-4A>G (NM_001407119.1, NM_001407120.1); c.526-4A>G (NM_001407115.1); c.242-4A>G (NM_001035511.3); c.304-4A>G (NM_001035512.3); c.140-4A>G (NM_001278172.3); c.298-4A>G (NM_001407118.1); c.349-4A>G (NM_001407116.1); and 3 more.
Identifiers: ClinVar variation 2927356 (VCV002927356.5), dbSNP rs755056779, ClinGen allele CA046915.